The following is an entry in ClinVar:

NM_000391.4(TPP1):c.54A>T (p.Lys18Asn)

Gene: TPP1 (tripeptidyl peptidase 1; minus strand). Cytogenetic location: 11p15.4.
Variant type: single nucleotide variant.
Coding change: c.54A>T on transcript NM_000391.4 (MANE Select); coding-DNA position 54, A replaced by T.
Protein change: p.Lys18Asn; replaces lysine 18 with asparagine.
Molecular consequence: missense variant.
Genome position (GRCh38, 1-based): chr11:6,619,231, T>A on the plus strand (A>T on the coding strand, the complement: TPP1 is on the minus strand). VCF-style: chr11-6619231-T-A. GRCh37 (hg19) VCF-style: chr11-6640462-T-A.
Other names: short protein forms K18N.
Identifiers: ClinVar variation 1111453 (VCV001111453.11), dbSNP rs753509905, ClinGen allele CA5859078.

ClinVar aggregate classification (germline): Conflicting classifications of pathogenicity. Review status: criteria provided, conflicting classifications (1 of 4 stars). 2 submissions from 2 submitters: Uncertain significance (1); Likely benign (1). Last evaluated 2025-12-08.

Conditions:
Inborn genetic diseases. Identifiers: MedGen C0950123, MeSH D030342.

Allele frequency attached by ClinVar (database versions not stated): gnomAD 0.00003; TOPMed 0.00003; gnomAD exomes 0.00005 and 0.00007; ExAC 0.00013.
gnomAD v4.1: 82 of 1,613,980 alleles (0.0051%); highest among the groups gnomAD compares: Non-Finnish European, 0.006%; no homozygotes.

Submissions (2):

Labcorp Genetics (formerly Invitae), Labcorp
Classification: Likely benign. Last evaluated: 2025-12-08. Review status: criteria provided, single submitter. Criteria: Invitae Variant Classification Sherloc (09022015). Collection method: clinical testing. Allele origin: germline.

Ambry Genetics
Classification: Uncertain significance for Inborn genetic diseases. Last evaluated: 2017-09-28. Review status: criteria provided, single submitter. Criteria: Ambry Variant Classification Scheme 2023. Collection method: clinical testing. Allele origin: germline.
Comment: The p.K18N variant (also known as c.54A>T), located in coding exon 2 of the TPP1 gene, results from an A to T substitution at nucleotide position 54. The lysine at codon 18 is replaced by asparagine, an amino acid with similar properties. This amino acid position is well conserved in available vertebrate species. In addition, this alteration is predicted to be tolerated by in silico analysis. Since supporting evidence is limited at this time, the clinical significance of this alteration remains unclear.